The following is an entry in ClinVar:

ClinVar aggregate classification (germline): Uncertain significance. Review status: criteria provided, multiple submitters, no conflicts (2 of 4 stars). 2 submissions from 2 submitters: Uncertain significance (2). Last evaluated 2025-08-13.

Conditions:
Inborn genetic diseases. Identifiers: MedGen C0950123, MeSH D030342.
Saldino-Mainzer syndrome (SRTD9). Also called: CONORENAL SYNDROME; Renal dysplasia, retinal pigmentary dystrophy, cerebellar ataxia and skeletal dysplasia; SHORT-RIB THORACIC DYSPLASIA 9 WITHOUT POLYDACTYLY; short-rib thoracic dysplasia 9 with or without polydactyly. Identifiers: Orphanet 140969, MedGen C1849437, MONDO:0009964, OMIM 266920.

Allele frequency attached by ClinVar (database versions not stated): TOPMed below 0.00001; gnomAD 0.00001; gnomAD exomes 0.00001.
gnomAD v4.1: 8 of 1,613,978 alleles (0.0005%); highest among the groups gnomAD compares: African/African-American, 0.0013%; no homozygotes.

Submissions (2):

Ambry Genetics
Classification: Uncertain significance for Inborn genetic diseases. Last evaluated: 2025-08-13. Review status: criteria provided, single submitter. Criteria: Ambry Variant Classification Scheme 2023. Collection method: clinical testing. Allele origin: germline.

Labcorp Genetics (formerly Invitae), Labcorp
Classification: Uncertain significance for Saldino-Mainzer syndrome. Last evaluated: 2021-09-24. Review status: criteria provided, single submitter. Criteria: Invitae Variant Classification Sherloc (09022015). Collection method: clinical testing. Allele origin: germline.
Comment: This sequence change replaces glycine with valine at codon 163 of the IFT140 protein (p.Gly163Val). The glycine residue is moderately conserved and there is a moderate physicochemical difference between glycine and valine. This variant is not present in population databases (ExAC no frequency). This variant has not been reported in the literature in individuals affected with IFT140-related conditions. Algorithms developed to predict the effect of missense changes on protein structure and function are either unavailable or do not agree on the potential impact of this missense change (SIFT: "Deleterious"; PolyPhen-2: "Benign"; Align-GVGD: "Class C0"). In summary, the available evidence is currently insufficient to determine the role of this variant in disease. Therefore, it has been classified as a Variant of Uncertain Significance.

NM_014714.4(IFT140):c.488G>T (p.Gly163Val)

Genes: IFT140 (intraflagellar transport 140; minus strand), LOC105371046 (uncharacterized LOC105371046; plus strand). Cytogenetic location: 16p13.3.
Variant type: single nucleotide variant.
Coding change: c.488G>T on transcript NM_014714.4 (MANE Select); coding-DNA position 488, G replaced by T.
Protein change: p.Gly163Val; replaces glycine 163 with valine.
Molecular consequence: missense variant.
Genome position (GRCh38, 1-based): chr16:1,592,470, C>A on the plus strand (G>T on the coding strand, the complement: IFT140 is on the minus strand). VCF-style: chr16-1592470-C-A. GRCh37 (hg19) VCF-style: chr16-1642471-C-A.
Other names: c.488G>T (NM_014714.3); short protein forms G163V.
Identifiers: ClinVar variation 1408245 (VCV001408245.6), dbSNP rs1368823319, ClinGen allele CA394220511.
Genomic context (GRCh38, chr16:1,592,470, plus strand): 5'-TCCCACCTCCCCCGATGTAAACACACACACAGGTCACAGGGCAAGCCCCACACTTACTCG[C>A]CAGGAGGGGGGAGCCGGAAGATGCAGTGCGTGAGGTGTTTCCCATACTCGTGTTTCAGCA-3'
Protein context (NP_055529.2, residues 153-173): THCIFRLPPP[Gly163Val]EDLVQLAKAA